The following is an entry in ClinVar:

NM_001282531.3(ADNP):c.2353G>A (p.Glu785Lys)

Gene: ADNP (activity dependent neuroprotector homeobox; minus strand). Cytogenetic location: 20q13.13.
Variant type: single nucleotide variant.
Coding change: c.2353G>A on transcript NM_001282531.3 (MANE Select); coding-DNA position 2353, G replaced by A.
Protein change: p.Glu785Lys; replaces glutamic acid 785 with lysine.
Molecular consequence: missense variant.
Genome position (GRCh38, 1-based): chr20:50,892,361, C>T on the plus strand (G>A on the coding strand, the complement: ADNP is on the minus strand). VCF-style: chr20-50892361-C-T. GRCh37 (hg19) VCF-style: chr20-49508898-C-T.
Other names: c.2353G>A, p.Glu785Lys (NM_001282532.2, NM_001347511.2, NM_015339.5 and 1 more transcripts); short protein forms E785K.
Identifiers: ClinVar variation 3252623 (VCV003252623.2), dbSNP rs2515578873.

ClinVar aggregate classification (germline): Uncertain significance. Review status: criteria provided, single submitter (1 of 4 stars). 2 submissions from 2 submitters: Uncertain significance (1). 1 of the submissions does not count toward it. Last evaluated 2023-10-23.

Conditions:
ADNP-related multiple congenital anomalies - intellectual disability - autism spectrum disorder. Also called: Helsmoortel-Van der Aa Syndrome; ADNP-Related Helsmoortel-Van der Aa Syndrome. Identifiers: Orphanet 404448, MedGen C4014538, MONDO:0014379, OMIM 615873. Disease mechanism: loss of function.

Submissions (2):

GeneDx
Classification: Uncertain significance. Last evaluated: 2023-10-23. Review status: criteria provided, single submitter. Criteria: GeneDx Variant Classification Process June 2021. Collection method: clinical testing. Allele origin: germline. Affected: yes.
Comment: Not observed at significant frequency in large population cohorts (gnomAD); In silico analysis supports that this missense variant has a deleterious effect on protein structure/function; Has not been previously published as pathogenic or benign to our knowledge

Clinical Genetics Laboratory, University Hospital Schleswig-Holstein
Classification: Uncertain significance for ADNP-related multiple congenital anomalies - intellectual disability - autism spectrum disorder. Last evaluated: 2023-08-30. Review status: no assertion criteria provided. Collection method: clinical testing. Allele origin: germline. Affected: yes. Not counted in ClinVar's aggregate classification.